The following is an entry in ClinVar:

NM_144670.6(A2ML1):c.1228G>A (p.Gly410Arg)

Gene: A2ML1 (alpha-2-macroglobulin like 1; plus strand). Cytogenetic location: 12p13.31.
Variant type: single nucleotide variant.
Coding change: c.1228G>A on transcript NM_144670.6 (MANE Select); coding-DNA position 1228, G replaced by A.
Protein change: p.Gly410Arg; replaces glycine 410 with arginine.
Molecular consequence: missense variant.
Genome position (GRCh38, 1-based): chr12:8,841,516, G>A. VCF-style: chr12-8841516-G-A. GRCh37 (hg19) VCF-style: chr12-8994112-G-A.
Other names: short protein forms G410R.
Identifiers: ClinVar variation 1754838 (VCV001754838.8), dbSNP rs752425903, ClinGen allele CA6435568.

ClinVar aggregate classification (germline): Uncertain significance. Review status: criteria provided, multiple submitters, no conflicts (2 of 4 stars). 2 submissions from 2 submitters: Uncertain significance (2). Last evaluated 2024-09-20.

Allele frequency attached by ClinVar (database versions not stated): gnomAD exomes below 0.00001; ExAC 0.00001; TOPMed 0.00001; gnomAD 0.00002.
gnomAD v4.1: 6 of 1,613,532 alleles (0.00037%); highest among the groups gnomAD compares: African/African-American, 0.008%; no homozygotes.

Submissions (2):

Ambry Genetics
Classification: Uncertain significance. Last evaluated: 2024-09-20. Review status: criteria provided, single submitter. Criteria: Ambry Variant Classification Scheme 2023. Collection method: clinical testing. Allele origin: germline.
Comment: The p.G410R variant (also known as c.1228G>A), located in coding exon 11 of the A2ML1 gene, results from a G to A substitution at nucleotide position 1228. The glycine at codon 410 is replaced by arginine, an amino acid with dissimilar properties. This amino acid position is conserved. In addition, this alteration is predicted to be tolerated by in silico analysis. Since supporting evidence is limited at this time, the clinical significance of this alteration remains unclear.

Labcorp Genetics (formerly Invitae), Labcorp
Classification: Uncertain significance. Last evaluated: 2024-03-02. Review status: criteria provided, single submitter. Criteria: Invitae Variant Classification Sherloc (09022015). Collection method: clinical testing. Allele origin: germline.
Comment: This sequence change replaces glycine, which is neutral and non-polar, with arginine, which is basic and polar, at codon 410 of the A2ML1 protein (p.Gly410Arg). This variant is present in population databases (rs752425903, gnomAD 0.007%). This variant has not been reported in the literature in individuals affected with A2ML1-related conditions. ClinVar contains an entry for this variant (Variation ID: 1754838). An algorithm developed to predict the effect of missense changes on protein structure and function (PolyPhen-2) suggests that this variant is likely to be tolerated. In summary, the available evidence is currently insufficient to determine the role of this variant in disease. Therefore, it has been classified as a Variant of Uncertain Significance.